The following is an entry in ClinVar:

ClinVar aggregate classification (germline): Pathogenic/Likely pathogenic. Review status: criteria provided, multiple submitters, no conflicts (2 of 4 stars). 2 submissions from 2 submitters: Pathogenic (1); Likely pathogenic (1). Last evaluated 2025-01-01.

Conditions:
Fanconi anemia (FA). Also called: Fanconi's anemia. Identifiers: Orphanet 84, MedGen C0015625, MeSH D005199, MONDO:0019391.

Submissions (2):

CeGaT Center for Human Genetics Tuebingen
Classification: Pathogenic. Last evaluated: 2025-01-01. Review status: criteria provided, single submitter. Criteria: CeGaT Center For Human Genetics Tuebingen Variant Classification Criteria Version 2. Collection method: clinical testing. Allele origin: germline. Affected: yes. Observed: 1 variant allele.
Comment: SLX4: PVS1, PM2

Sema4
Classification: Likely pathogenic for Fanconi anemia. Last evaluated: 2022-01-25. Review status: criteria provided, single submitter. Criteria: Sema4 Curation Guidelines. Collection method: curation. Allele origin: germline.
Comment: The SLX4 c.1116_1117insT (p.L373SfsX7) variant has not been reported in the literature to our knowledge. This variant causes a frameshift at amino acid 373 that results in premature termination 7 amino acids downstream. At this location, nonsense-mediated decay is predicted to occur, resulting in a loss of gene function. Loss-of-function variants in SLX4 are known to be pathogenic (PMID: 21240277). It was not observed in in the large and broad cohorts of the Genome Aggregation Database (PMID: 32461654), nor in ClinVar. Based on the current evidence available, this variant is interpreted as likely pathogenic.

Literature cited by the submitters: PubMed 21240277 (cited by Sema4).

NM_032444.4(SLX4):c.1116_1117insT (p.Leu373fs)

Gene: SLX4 (SLX4 structure-specific endonuclease subunit; minus strand). Cytogenetic location: 16p13.3.
Variant type: Insertion.
Coding change: c.1116_1117insT on transcript NM_032444.4 (MANE Select); coding-DNA positions 1116 to 1117, T inserted.
Protein change: p.Leu373fs; shifts the reading frame from leucine 373.
Molecular consequence: frameshift variant.
Genome position: GRCh38 VCF-style: chr16-3601025-G-GA. GRCh37 (hg19) VCF-style: chr16-3651026-G-GA.
Other names: short protein forms L373fs.
Identifiers: ClinVar variation 1691993 (VCV001691993.14), dbSNP rs2151133987, ClinGen allele CA2573152050.